The following is an entry in ClinVar:

ClinVar aggregate classification (germline): Likely benign. Review status: criteria provided, multiple submitters, no conflicts (2 of 4 stars). 3 submissions from 3 submitters: Likely benign (3). Last evaluated 2026-03-18.

Conditions:
Fanconi anemia (FA). Also called: Fanconi's anemia. Identifiers: Orphanet 84, MedGen C0015625, MeSH D005199, MONDO:0019391.

Allele frequency attached by ClinVar (database versions not stated): gnomAD exomes 0.00001; TOPMed 0.00014; ExAC 0.00003; gnomAD 0.00008 and 0.00007; ESP Exome Variant Server 0.00008.
gnomAD v4.1: 23 of 1,608,558 alleles (0.0014%); highest among the groups gnomAD compares: African/African-American, 0.019%; no homozygotes.

Submissions (3):

Dasa
Classification: Likely benign. Last evaluated: 2026-03-18. Review status: criteria provided, single submitter. Criteria: DASA Assertion Criteria. Collection method: clinical testing. Allele origin: germline.
Comment: NM_000135.4(FANCA):c.709+9A>G is a splice-region variant. The variant context is inconsistent with a known disease-causing mechanism. Computational prediction algorithms are consistent with a benign effect. Therefore, based on the currently available evidence, this variant is classified as likely benign.

Labcorp Genetics (formerly Invitae), Labcorp
Classification: Likely benign for Fanconi anemia. Last evaluated: 2025-10-04. Review status: criteria provided, single submitter. Criteria: Invitae Variant Classification Sherloc (09022015). Collection method: clinical testing. Allele origin: germline.

Sema4
Classification: Likely benign for Fanconi anemia. Last evaluated: 2021-05-02. Review status: criteria provided, single submitter. Criteria: Sema4 Curation Guidelines. Collection method: curation. Allele origin: germline.

NM_000135.4(FANCA):c.709+9A>G

Gene: FANCA (FA complementation group A; minus strand). Cytogenetic location: 16q24.3.
Variant type: single nucleotide variant.
Coding change: c.709+9A>G on transcript NM_000135.4 (MANE Select); 9 bases into the intron after coding-DNA position 709, A replaced by G.
Molecular consequence: intron variant.
Genome position (GRCh38, 1-based): chr16:89,805,271, T>C on the plus strand (A>G on the coding strand, the complement: FANCA is on the minus strand). VCF-style: chr16-89805271-T-C. GRCh37 (hg19) VCF-style: chr16-89871679-T-C.
Other names: c.709+9A>G (NM_001286167.3, NM_001018112.3); c.613+9A>G (NM_001351830.2).
Identifiers: ClinVar variation 1092326 (VCV001092326.10), dbSNP rs371624767, ClinGen allele CA8252847.